The following is an entry in ClinVar:

ClinVar aggregate classification (germline): Pathogenic/Likely pathogenic. Review status: criteria provided, multiple submitters, no conflicts (2 of 4 stars). 3 submissions from 3 submitters: Pathogenic (1); Likely pathogenic (1). 1 of the submissions does not count toward it. Last evaluated 2024-03-04.

Conditions:
Bardet-Biedl syndrome (BBS). Identifiers: Orphanet 110, MedGen C0752166, MONDO:0015229.
Bardet-Biedl syndrome 10 (BBS10). Identifiers: Orphanet 110, MedGen C1859568, MONDO:0014438, OMIM 615987.

Submissions (3):

Natera, Inc.
Classification: Likely pathogenic for Bardet-Biedl syndrome type 10. Last evaluated: 2024-03-04. Review status: criteria provided, single submitter. Criteria: Natera Variant Classification Schema (03/2026). Collection method: clinical testing. Allele origin: germline.
Comment: The c.1542delA variant in BBS10 is a frameshift variant predicted to shift the reading frame beginning at codon 515 and leads to a stop codon 9 codons downstream. This variant is expected to result in nonsense mediated decay, truncation, or a dysfunctional protein product. This variant is rare in the general population with a frequency below the threshold expected for the associated phenotype(s). This variant has been observed in one or more individuals affected with the associated recessive disease, as either homozygous or compound heterozygous with a second variant (PMID: 20177705). Given the available evidence, this variant is classified as Likely Pathogenic.

Labcorp Genetics (formerly Invitae), Labcorp
Classification: Pathogenic for Bardet-Biedl syndrome. Last evaluated: 2022-04-07. Review status: criteria provided, single submitter. Criteria: Invitae Variant Classification Sherloc (09022015). Collection method: clinical testing. Allele origin: germline.
Comment: For these reasons, this variant has been classified as Pathogenic. This variant disrupts a region of the BBS10 protein in which other variant(s) (p.Val707*) have been determined to be pathogenic (PMID: 20472660, 22773737, 25982971, 27486776). This suggests that this is a clinically significant region of the protein, and that variants that disrupt it are likely to be disease-causing. ClinVar contains an entry for this variant (Variation ID: 371134). This variant is also known as T514fsX523. This premature translational stop signal has been observed in individual(s) with clinical features of Bardet-Biedl syndrome (PMID: 16582908; Invitae). This variant is not present in population databases (gnomAD no frequency). This sequence change creates a premature translational stop signal (p.Asp515Ilefs*9) in the BBS10 gene. While this is not anticipated to result in nonsense mediated decay, it is expected to disrupt the last 209 amino acid(s) of the BBS10 protein.

Counsyl
Classification: Likely pathogenic for Bardet-Biedl syndrome 10. Last evaluated: 2016-07-07. Review status: no assertion criteria provided. Collection method: clinical testing. Allele origin: unknown. Not counted in ClinVar's aggregate classification.

Literature cited by the submitters: PubMed 20177705 (cited by Natera, Inc.); PubMed 20472660 (cited by Labcorp Genetics (formerly Invitae), Labcorp); PubMed 22773737 (cited by Labcorp Genetics (formerly Invitae), Labcorp); PubMed 25982971 (cited by Labcorp Genetics (formerly Invitae), Labcorp); PubMed 27486776 (cited by Labcorp Genetics (formerly Invitae), Labcorp); PubMed 16582908 (cited by Labcorp Genetics (formerly Invitae), Labcorp and Counsyl).

NM_024685.4(BBS10):c.1542del (p.Asp515fs)

Gene: BBS10 (Bardet-Biedl syndrome 10; minus strand). Cytogenetic location: 12q21.2.
Variant type: Deletion.
Coding change: c.1542del on transcript NM_024685.4 (MANE Select); coding-DNA position 1542, one base deleted (A; older notation c.1542delA).
Protein change: p.Asp515fs; shifts the reading frame from aspartic acid 515.
Molecular consequence: frameshift variant.
Genome position (GRCh38, 1-based): chr12:76,346,443, T deleted on the plus strand (A on the coding strand, the reverse complement: BBS10 is on the minus strand). VCF-style (leftmost placement, unchanged base first): chr12-76346442-CT-C. GRCh37 (hg19) VCF-style: chr12-76740222-CT-C.
Other names: c.1542del, p.Asp515fs (LRG_1255t1); short protein forms D515fs.
Identifiers: ClinVar variation 371134 (VCV000371134.9), dbSNP rs1057517031, ClinGen allele CA16041579.